The following is an entry in ClinVar:

NM_001039141.3(TRIOBP):c.4784G>A (p.Arg1595His)

Gene: TRIOBP (TRIO and F-actin binding protein; plus strand). Cytogenetic location: 22q13.1.
Variant type: single nucleotide variant.
Coding change: c.4784G>A on transcript NM_001039141.3 (MANE Select); coding-DNA position 4784, G replaced by A.
Protein change: p.Arg1595His; replaces arginine 1595 with histidine.
Molecular consequence: missense variant.
Genome position (GRCh38, 1-based): chr22:37,735,120, G>A. VCF-style: chr22-37735120-G-A. GRCh37 (hg19) VCF-style: chr22-38131127-G-A.
Other names: short protein forms R1595H.
Identifiers: ClinVar variation 1948689 (VCV001948689.4), dbSNP rs778728146, ClinGen allele CA10224449.

ClinVar aggregate classification (germline): Uncertain significance (1 of 4 stars; one submission).

Allele frequency attached by ClinVar (database versions not stated): ExAC 0.00001; gnomAD 0.00001; TOPMed 0.00002.
gnomAD v4.1: 25 of 1,608,794 alleles (0.0016%); highest among the groups gnomAD compares: African/African-American, 0.0053%; no homozygotes.

Submission:

Labcorp Genetics (formerly Invitae), Labcorp
Classification: Uncertain significance. Last evaluated: 2024-09-16. Review status: criteria provided, single submitter. Criteria: Invitae Variant Classification Sherloc (09022015). Collection method: clinical testing. Allele origin: germline.
Comment: This sequence change replaces arginine, which is basic and polar, with histidine, which is basic and polar, at codon 1595 of the TRIOBP protein (p.Arg1595His). This variant is present in population databases (rs778728146, gnomAD 0.009%). This variant has not been reported in the literature in individuals affected with TRIOBP-related conditions. ClinVar contains an entry for this variant (Variation ID: 1948689). An algorithm developed to predict the effect of missense changes on protein structure and function outputs the following: PolyPhen-2: "Benign". The histidine amino acid residue is found in multiple mammalian species, which suggests that this missense change does not adversely affect protein function. In summary, the available evidence is currently insufficient to determine the role of this variant in disease. Therefore, it has been classified as a Variant of Uncertain Significance.